The following is an entry in ClinVar:

ClinVar aggregate classification (germline): Uncertain significance (1 of 4 stars; one submission).

Conditions:
Epidermodysplasia verruciformis. Identifiers: Orphanet 302, MedGen C0014522, MONDO:0009176.

gnomAD v4.1: 11 of 1,611,292 alleles (0.00068%); highest among the groups gnomAD compares: Non-Finnish European, 0.00085%; no homozygotes.

Submission:

Labcorp Genetics (formerly Invitae), Labcorp
Classification: Uncertain significance for Epidermodysplasia verruciformis. Last evaluated: 2025-03-10. Review status: criteria provided, single submitter. Criteria: Invitae Variant Classification Sherloc (09022015). Collection method: clinical testing. Allele origin: germline.
Comment: This sequence change replaces leucine, which is neutral and non-polar, with phenylalanine, which is neutral and non-polar, at codon 293 of the TMC6 protein (p.Leu293Phe). This variant is present in population databases (no rsID available, gnomAD 0.004%). This variant has not been reported in the literature in individuals affected with TMC6-related conditions. An algorithm developed to predict the effect of missense changes on protein structure and function (PolyPhen-2) suggests that this variant is likely to be tolerated. In summary, the available evidence is currently insufficient to determine the role of this variant in disease. Therefore, it has been classified as a Variant of Uncertain Significance.

NM_001127198.5(TMC6):c.877C>T (p.Leu293Phe)

Gene: TMC6 (transmembrane channel like 6; minus strand). Cytogenetic location: 17q25.3.
Variant type: single nucleotide variant.
Coding change: c.877C>T on transcript NM_001127198.5 (MANE Select); coding-DNA position 877, C replaced by T.
Protein change: p.Leu293Phe; replaces leucine 293 with phenylalanine.
Molecular consequence: missense variant. On other transcripts: non-coding transcript variant (4).
Genome position (GRCh38, 1-based): chr17:78,124,538, G>A on the plus strand (C>T on the coding strand, the complement: TMC6 is on the minus strand). VCF-style: chr17-78124538-G-A. GRCh37 (hg19) VCF-style: chr17-76120619-G-A.
Other names: c.877C>T, p.Leu293Phe (NM_001321185.1, NM_001374593.1, NM_001374594.1 and 4 more transcripts); short protein forms L293F.
Identifiers: ClinVar variation 4755313 (VCV004755313.1).